The following is an entry in ClinVar:

NM_012448.4(STAT5B):c.1502A>G (p.Lys501Arg)

Gene: STAT5B (signal transducer and activator of transcription 5B; minus strand). Cytogenetic location: 17q21.2.
Variant type: single nucleotide variant.
Coding change: c.1502A>G on transcript NM_012448.4 (MANE Select); coding-DNA position 1502, A replaced by G.
Protein change: p.Lys501Arg; replaces lysine 501 with arginine.
Molecular consequence: missense variant.
Genome position (GRCh38, 1-based): chr17:42,212,162, T>C on the plus strand (A>G on the coding strand, the complement: STAT5B is on the minus strand). VCF-style: chr17-42212162-T-C. GRCh37 (hg19) VCF-style: chr17-40364180-T-C.
Other names: short protein forms K501R.
Identifiers: ClinVar variation 2887252 (VCV002887252.4), dbSNP rs146678334, ClinGen allele CA8574009.

ClinVar aggregate classification (germline): Uncertain significance. Review status: criteria provided, multiple submitters, no conflicts (2 of 4 stars). 2 submissions from 2 submitters: Uncertain significance (2). Last evaluated 2025-05-26.

Conditions:
Inborn genetic diseases. Identifiers: MedGen C0950123, MeSH D030342.
Growth hormone insensitivity with immune dysregulation 1, autosomal recessive. Also called: GROWTH HORMONE INSENSITIVITY SYNDROME WITH IMMUNE DYSREGULATION 1, AUTOSOMAL RECESSIVE; Laron syndrome with immunodeficiency; GROWTH HORMONE INSENSITIVITY DUE TO POSTRECEPTOR DEFECT; LARON SYNDROME DUE TO POSTRECEPTOR DEFECT. Identifiers: Orphanet 220465, MedGen C5435698, MONDO:0100211, OMIM 245590.

Allele frequency attached by ClinVar (database versions not stated): gnomAD exomes below 0.00001; ExAC 0.00002; gnomAD 0.00002; TOPMed 0.00002; ESP Exome Variant Server 0.00008; 1000 Genomes Project 30x 0.00016; 1000 Genomes Project 0.00020.
gnomAD v4.1: 9 of 1,614,074 alleles (0.00056%); highest among the groups gnomAD compares: African/African-American, 0.0067%; no homozygotes.

Submissions (2):

Ambry Genetics
Classification: Uncertain significance for Inborn genetic diseases. Last evaluated: 2025-05-26. Review status: criteria provided, single submitter. Criteria: Ambry Variant Classification Scheme 2023. Collection method: clinical testing. Allele origin: germline.

Labcorp Genetics (formerly Invitae), Labcorp
Classification: Uncertain significance for Growth hormone insensitivity with immune dysregulation 1, autosomal recessive. Last evaluated: 2023-02-01. Review status: criteria provided, single submitter. Criteria: Invitae Variant Classification Sherloc (09022015). Collection method: clinical testing. Allele origin: germline.
Comment: This sequence change replaces lysine, which is basic and polar, with arginine, which is basic and polar, at codon 501 of the STAT5B protein (p.Lys501Arg). This variant is present in population databases (rs146678334, gnomAD 0.01%). This variant has not been reported in the literature in individuals affected with STAT5B-related conditions. Advanced modeling of protein sequence and biophysical properties (such as structural, functional, and spatial information, amino acid conservation, physicochemical variation, residue mobility, and thermodynamic stability) performed at Invitae indicates that this missense variant is not expected to disrupt STAT5B protein function. In summary, the available evidence is currently insufficient to determine the role of this variant in disease. Therefore, it has been classified as a Variant of Uncertain Significance.